The following is an entry in ClinVar:

NM_052854.4(CREB3L1):c.1259-34_1259-16del

Gene: CREB3L1 (cAMP responsive element binding protein 3 like 1; plus strand). Cytogenetic location: 11p11.2.
Variant type: Deletion.
Coding change: c.1259-34_1259-16del on transcript NM_052854.4 (MANE Select); 34 bases into the intron before coding-DNA position 1259 through 16 bases into the intron before coding-DNA position 1259, 19 bases deleted (TGGGCACACCGCTCATCCT).
Molecular consequence: intron variant.
Genome position (GRCh38, 1-based): chr11:46,320,230-46,320,248, TGGGCACACCGCTCATCCT deleted; deleting any 19 consecutive bases within chr11:46,320,228-46,320,248 gives the same sequence; the c. name uses the placement nearest the transcript's 3' end. VCF-style (leftmost placement, unchanged base first): chr11-46320227-TCTTGGGCACACCGCTCATC-T. GRCh37 (hg19) VCF-style: chr11-46341778-TCTTGGGCACACCGCTCATC-T.
Identifiers: ClinVar variation 2108864 (VCV002108864.4), dbSNP rs2496189445, ClinGen allele CA2580084119.

ClinVar aggregate classification (germline): Uncertain significance (1 of 4 stars; one submission).

Submission:

Labcorp Genetics (formerly Invitae), Labcorp
Classification: Uncertain significance. Last evaluated: 2022-03-15. Review status: criteria provided, single submitter. Criteria: Invitae Variant Classification Sherloc (09022015). Collection method: clinical testing. Allele origin: germline.
Comment: In summary, the available evidence is currently insufficient to determine the role of this variant in disease. Therefore, it has been classified as a Variant of Uncertain Significance. Algorithms developed to predict the effect of sequence changes on RNA splicing suggest that this variant may create or strengthen a splice site. This variant has not been reported in the literature in individuals affected with CREB3L1-related conditions. This variant is not present in population databases (gnomAD no frequency). This sequence change falls in intron 10 of the CREB3L1 gene. It does not directly change the encoded amino acid sequence of the CREB3L1 protein.